The following is an entry in ClinVar:

NM_024420.3(PLA2G4A):c.1579+3A>G

Gene: PLA2G4A (phospholipase A2 group IVA; plus strand). Cytogenetic location: 1q31.1.
Variant type: single nucleotide variant.
Coding change: c.1579+3A>G on transcript NM_024420.3 (MANE Select); 3 bases into the intron after coding-DNA position 1579, A replaced by G.
Molecular consequence: intron variant.
Genome position (GRCh38, 1-based): chr1:186,956,347, A>G. VCF-style: chr1-186956347-A-G. GRCh37 (hg19) VCF-style: chr1-186925479-A-G.
Other names: c.1399+3A>G (NM_001311193.2).
Identifiers: ClinVar variation 4720801 (VCV004720801.1).

ClinVar aggregate classification (germline): Uncertain significance (1 of 4 stars; one submission).

Submission:

Labcorp Genetics (formerly Invitae), Labcorp
Classification: Uncertain significance. Last evaluated: 2025-06-04. Review status: criteria provided, single submitter. Criteria: Invitae Variant Classification Sherloc (09022015). Collection method: clinical testing. Allele origin: germline.
Comment: This sequence change falls in intron 14 of the PLA2G4A gene. It does not directly change the encoded amino acid sequence of the PLA2G4A protein. It affects a nucleotide within the consensus splice site. This variant is not present in population databases (gnomAD no frequency). This variant has not been reported in the literature in individuals affected with PLA2G4A-related conditions. Variants that disrupt the consensus splice site are a relatively common cause of aberrant splicing (PMID: 17576681, 9536098). Algorithms developed to predict the effect of sequence changes on RNA splicing suggest that this variant is not likely to affect RNA splicing. In summary, the available evidence is currently insufficient to determine the role of this variant in disease. Therefore, it has been classified as a Variant of Uncertain Significance.

Literature cited by the submitters: PubMed 17576681; PubMed 9536098.